The following is an entry in ClinVar:

NM_002335.4(LRP5):c.3731T>G (p.Leu1244Arg)

Gene: LRP5 (LDL receptor related protein 5; plus strand). Cytogenetic location: 11q13.2.
Variant type: single nucleotide variant.
Coding change: c.3731T>G on transcript NM_002335.4 (MANE Select); coding-DNA position 3731, T replaced by G.
Protein change: p.Leu1244Arg; replaces leucine 1244 with arginine.
Molecular consequence: missense variant.
Genome position (GRCh38, 1-based): chr11:68,429,668, T>G. VCF-style: chr11-68429668-T-G. GRCh37 (hg19) VCF-style: chr11-68197136-T-G.
Other names: c.1988T>G, p.Leu663Arg (NM_001291902.2); short protein forms L663R, L1244R.
Identifiers: ClinVar variation 1963785 (VCV001963785.5), dbSNP rs757737452, ClinGen allele CA381613396.

ClinVar aggregate classification (germline): Uncertain significance (1 of 4 stars; one submission).

Submission:

Labcorp Genetics (formerly Invitae), Labcorp
Classification: Uncertain significance. Last evaluated: 2022-07-15. Review status: criteria provided, single submitter. Criteria: Invitae Variant Classification Sherloc (09022015). Collection method: clinical testing. Allele origin: germline.
Comment: This sequence change replaces leucine, which is neutral and non-polar, with arginine, which is basic and polar, at codon 1244 of the LRP5 protein (p.Leu1244Arg). This variant is not present in population databases (gnomAD no frequency). This variant has not been reported in the literature in individuals affected with LRP5-related conditions. Advanced modeling of protein sequence and biophysical properties (such as structural, functional, and spatial information, amino acid conservation, physicochemical variation, residue mobility, and thermodynamic stability) performed at Invitae indicates that this missense variant is expected to disrupt LRP5 protein function. In summary, the available evidence is currently insufficient to determine the role of this variant in disease. Therefore, it has been classified as a Variant of Uncertain Significance.